The following is an entry in ClinVar:

NM_003483.6(HMGA2):c.179C>T (p.Pro60Leu)

Gene: HMGA2 (high mobility group AT-hook 2; plus strand). Cytogenetic location: 12q14.3.
Variant type: single nucleotide variant.
Coding change: c.179C>T on transcript NM_003483.6 (MANE Select); coding-DNA position 179, C replaced by T.
Protein change: p.Pro60Leu; replaces proline 60 with leucine.
Molecular consequence: missense variant.
Genome position (GRCh38, 1-based): chr12:65,828,068, C>T. VCF-style: chr12-65828068-C-T. GRCh37 (hg19) VCF-style: chr12-66221848-C-T.
Other names: c.179C>T, p.Pro60Leu (NM_001300918.1, NM_001300919.1, NM_001330190.1 and 1 more transcripts); short protein forms P60L.
Identifiers: ClinVar variation 3365148 (VCV003365148.1).

ClinVar aggregate classification (germline): Uncertain significance (1 of 4 stars; one submission).

gnomAD v4.1: 2 of 1,613,334 alleles (0.00012%); highest among the groups gnomAD compares: Non-Finnish European, 0.00017%; no homozygotes.

Submission:

GeneDx
Classification: Uncertain significance. Last evaluated: 2023-12-05. Review status: criteria provided, single submitter. Criteria: GeneDx Variant Classification Process June 2021. Collection method: clinical testing. Allele origin: germline. Affected: yes.
Comment: Not observed at significant frequency in large population cohorts (gnomAD); In silico analysis supports that this missense variant has a deleterious effect on protein structure/function; Has not been previously published as pathogenic or benign to our knowledge